The following is an entry in ClinVar:

NM_005573.4(LMNB1):c.207G>A (p.Glu69=)

Gene: LMNB1 (lamin B1; plus strand). Cytogenetic location: 5q23.2.
Variant type: single nucleotide variant.
Coding change: c.207G>A on transcript NM_005573.4 (MANE Select); coding-DNA position 207, G replaced by A.
Protein change: p.Glu69=; no amino-acid change (glutamic acid 69 retained).
Molecular consequence: synonymous variant. On other transcripts: non-coding transcript variant (2), intron variant (1).
Genome position (GRCh38, 1-based): chr5:126,777,715, G>A. VCF-style: chr5-126777715-G-A. GRCh37 (hg19) VCF-style: chr5-126113407-G-A.
Other names: c.207G>A (NM_005573.3); c.-272+471G>A (NM_001198557.2).
Identifiers: ClinVar variation 1988976 (VCV001988976.6), dbSNP rs780849458, ClinGen allele CA3390426.
Genomic context (GRCh38, chr5:126,777,715, plus strand): 5'-GGTGCGCAGCCTGGAGACGGAGAACAGCGCGCTGCAGCTGCAGGTGACGGAGCGCGAGGA[G>A]GTGCGCGGCCGTGAGCTCACCGGCCTCAAGGCGCTCTACGAGACCGAGCTGGCCGACGCG-3'
Protein context (NP_005564.1, residues 59-79): ALQLQVTERE[Glu69=]VRGRELTGLK

ClinVar aggregate classification (germline): Likely benign. Review status: criteria provided, single submitter (1 of 4 stars). 2 submissions from 2 submitters: Likely benign (1). 1 of the submissions does not count toward it. Last evaluated 2024-09-25.

Conditions:
LMNB1-related disorder. Also called: LMNB1-Related Disorders; LMNB1-related condition.

Allele frequency attached by ClinVar (database versions not stated): gnomAD exomes 0.00001; 1000 Genomes Project 30x 0.00016; gnomAD 0.00018; TOPMed 0.00019.
gnomAD v4.1: 47 of 1,544,378 alleles (0.003%); highest among the groups gnomAD compares: African/African-American, 0.054%; no homozygotes.

Submissions (2):

Labcorp Genetics (formerly Invitae), Labcorp
Classification: Likely benign. Last evaluated: 2024-09-25. Review status: criteria provided, single submitter. Criteria: Invitae Variant Classification Sherloc (09022015). Collection method: clinical testing. Allele origin: germline.

PreventionGenetics, part of Exact Sciences
Classification: Likely benign for LMNB1-related condition. Last evaluated: 2019-06-10. Review status: no assertion criteria provided. Collection method: clinical testing. Allele origin: germline. Not counted in ClinVar's aggregate classification.
Comment: This variant is classified as likely benign based on ACMG/AMP sequence variant interpretation guidelines (Richards et al. 2015 PMID: 25741868, with internal and published modifications).